The following is an entry in ClinVar:

ClinVar aggregate classification (germline): Uncertain significance. Review status: criteria provided, multiple submitters, no conflicts (2 of 4 stars). 2 submissions from 2 submitters: Uncertain significance (2). Last evaluated 2026-02-21.

Conditions:
Fanconi anemia complementation group J. Also called: BRIP1-Related Fanconi Anemia. Identifiers: Orphanet 84, MedGen C1836860, MONDO:0012187, OMIM 609054.
Familial cancer of breast. Also called: BREAST CANCER, FAMILIAL; Hereditary breast cancer; hereditary breast carcinoma. Identifiers: Orphanet 227535, MedGen C0346153, MONDO:0016419, OMIM 114480. Disease mechanism: loss of function.
Hereditary cancer-predisposing syndrome. Also called: Tumor predisposition; Hereditary neoplastic syndrome; Hereditary Cancer Syndrome; Neoplastic Syndromes, Hereditary. Identifiers: Orphanet 140162, MedGen C0027672, MeSH D009386, MONDO:0015356.

Submissions (2):

Ambry Genetics
Classification: Uncertain significance for Hereditary cancer-predisposing syndrome. Last evaluated: 2026-02-21. Review status: criteria provided, single submitter. Criteria: Ambry Variant Classification Scheme 2023. Collection method: clinical testing. Allele origin: germline.
Comment: The p.G657V variant (also known as c.1970G>T), located in coding exon 13 of the BRIP1 gene, results from a G to T substitution at nucleotide position 1970. The glycine at codon 657 is replaced by valine, an amino acid with dissimilar properties. This amino acid position is conserved. In addition, this alteration is predicted to be deleterious by in silico analysis. Based on the available evidence, the clinical significance of this variant remains unclear.

Labcorp Genetics (formerly Invitae), Labcorp
Classification: Uncertain significance for Familial cancer of breast; Fanconi anemia complementation group J. Last evaluated: 2019-03-29. Review status: criteria provided, single submitter. Criteria: Invitae Variant Classification Sherloc (09022015). Collection method: clinical testing. Allele origin: germline.
Comment: In summary, the available evidence is currently insufficient to determine the role of this variant in disease. Therefore, it has been classified as a Variant of Uncertain Significance. Algorithms developed to predict the effect of sequence changes on RNA splicing suggest that this variant may create or strengthen a splice site, but this prediction has not been confirmed by published transcriptional studies. Algorithms developed to predict the effect of missense changes on protein structure and function are either unavailable or do not agree on the potential impact of this missense change (SIFT: "Deleterious"; PolyPhen-2: "Probably Damaging"; Align-GVGD: "Class C0"). This variant has not been reported in the literature in individuals with BRIP1-related conditions. This variant is not present in population databases (ExAC no frequency). This sequence change replaces glycine with valine at codon 657 of the BRIP1 protein (p.Gly657Val). The glycine residue is highly conserved and there is a moderate physicochemical difference between glycine and valine.

NM_032043.3(BRIP1):c.1970G>T (p.Gly657Val)

Gene: BRIP1 (BRCA1 interacting DNA helicase 1; minus strand). Cytogenetic location: 17q23.2.
Variant type: single nucleotide variant.
Coding change: c.1970G>T on transcript NM_032043.3 (MANE Select); coding-DNA position 1970, G replaced by T.
Protein change: p.Gly657Val; replaces glycine 657 with valine.
Molecular consequence: missense variant.
Genome position (GRCh38, 1-based): chr17:61,776,528, C>A on the plus strand (G>T on the coding strand, the complement: BRIP1 is on the minus strand). VCF-style: chr17-61776528-C-A. GRCh37 (hg19) VCF-style: chr17-59853889-C-A.
Other names: short protein forms G657V.
Identifiers: ClinVar variation 951250 (VCV000951250.11), dbSNP rs1603328878, ClinGen allele CA400478522.